The following is an entry in ClinVar:

ClinVar aggregate classification (germline): Pathogenic. Review status: criteria provided, multiple submitters, no conflicts (2 of 4 stars). 2 submissions from 2 submitters: Pathogenic (2). Last evaluated 2024-02-23.

Conditions:
Ataxia-telangiectasia syndrome (AT). Also called: Ataxia-telangiectasia, complementation group E; LOUIS-BAR SYNDROME; Ataxia-telangiectasia, complementation group D; AT, COMPLEMENTATION GROUP C; Ataxia-telangiectasia; Cerebello-oculocutaneous telangiectasia. Identifiers: Orphanet 100, MedGen C0004135, MONDO:0008840, OMIM 208900.
Familial cancer of breast. Also called: hereditary breast carcinoma; BREAST CANCER, FAMILIAL; Hereditary breast cancer. Identifiers: Orphanet 227535, MedGen C0346153, MONDO:0016419, OMIM 114480. Disease mechanism: loss of function.

Submissions (2):

Labcorp Genetics (formerly Invitae), Labcorp
Classification: Pathogenic for Ataxia-telangiectasia syndrome. Last evaluated: 2024-02-23. Review status: criteria provided, single submitter. Criteria: Invitae Variant Classification Sherloc (09022015). Collection method: clinical testing. Allele origin: germline.
Comment: This sequence change creates a premature translational stop signal (p.Val986Phefs*6) in the ATM gene. It is expected to result in an absent or disrupted protein product. Loss-of-function variants in ATM are known to be pathogenic (PMID: 23807571, 25614872). This variant is not present in population databases (gnomAD no frequency). This variant has not been reported in the literature in individuals affected with ATM-related conditions. ClinVar contains an entry for this variant (Variation ID: 1457661). For these reasons, this variant has been classified as Pathogenic.

Myriad Genetics, Inc.
Classification: Pathogenic for Familial cancer of breast. Last evaluated: 2024-01-18. Review status: criteria provided, single submitter. Criteria: Myriad Autosomal Dominant, Autosomal Recessive and X-Linked Classification Criteria (2023). Collection method: clinical testing. Allele origin: unknown.
Comment: This variant is considered pathogenic. This variant creates a frameshift predicted to result in premature protein truncation.

Literature cited by the submitters: PubMed 23807571 (cited by Labcorp Genetics (formerly Invitae), Labcorp); PubMed 25614872 (cited by Labcorp Genetics (formerly Invitae), Labcorp).

NM_000051.4(ATM):c.2956del (p.Val986fs)

Gene: ATM (ATM serine/threonine kinase; plus strand). Cytogenetic location: 11q22.3.
Variant type: Deletion.
Coding change: c.2956del on transcript NM_000051.4 (MANE Select); coding-DNA position 2956, one base deleted (G; older notation c.2956delG).
Protein change: p.Val986fs; shifts the reading frame from valine 986.
Molecular consequence: frameshift variant.
Genome position (GRCh38, 1-based): chr11:108,271,285, G deleted. VCF-style (leftmost placement, unchanged base first): chr11-108271284-TG-T. GRCh37 (hg19) VCF-style: chr11-108142011-TG-T.
Other names: c.2956del, p.Val986fs (NM_001351834.2); short protein forms V986fs.
Identifiers: ClinVar variation 1457661 (VCV001457661.7), dbSNP rs2135552199, ClinGen allele CA2573146580.